The following is an entry in ClinVar:

ClinVar aggregate classification (germline): Uncertain significance (1 of 4 stars; one submission).

gnomAD v4.1: 3 of 1,614,184 alleles (0.00019%); highest among the groups gnomAD compares: Non-Finnish European, 0.00025%; no homozygotes.

Submission:

Ambry Genetics
Classification: Uncertain significance. Last evaluated: 2024-11-28. Review status: criteria provided, single submitter. Criteria: Ambry Variant Classification Scheme 2023. Collection method: clinical testing. Allele origin: germline.
Comment: The p.S714T variant (also known as c.2140T>A), located in coding exon 1 of the TET2 gene, results from a T to A substitution at nucleotide position 2140. The serine at codon 714 is replaced by threonine, an amino acid with similar properties. This amino acid position is conserved. In addition, this alteration is predicted to be tolerated by in silico analysis. Based on the available evidence, the clinical significance of this variant remains unclear.

NM_001127208.3(TET2):c.2140T>A (p.Ser714Thr)

Genes: TET2 (tet methylcytosine dioxygenase 2; plus strand), TET2-AS1 (TET2 antisense RNA 1; minus strand). Cytogenetic location: 4q24.
Variant type: single nucleotide variant.
Coding change: c.2140T>A on transcript NM_001127208.3 (MANE Select); coding-DNA position 2140, T replaced by A.
Protein change: p.Ser714Thr; replaces serine 714 with threonine.
Molecular consequence: missense variant.
Genome position (GRCh38, 1-based): chr4:105,236,082, T>A. VCF-style: chr4-105236082-T-A. GRCh37 (hg19) VCF-style: chr4-106157239-T-A.
Other names: c.2140T>A, p.Ser714Thr (NM_017628.4); short protein forms S714T.
Identifiers: ClinVar variation 3455348 (VCV003455348.1).